The following is an entry in ClinVar:

NM_198252.3(GSN):c.231C>A (p.Ala77=)

Gene: GSN (gelsolin; plus strand). Cytogenetic location: 9q33.2.
Variant type: single nucleotide variant.
Coding change: c.231C>A on transcript NM_198252.3 (MANE Select); coding-DNA position 231, C replaced by A.
Protein change: p.Ala77=; no amino-acid change (alanine 77 retained).
Molecular consequence: synonymous variant. On other transcripts: 5 prime UTR variant (1).
Genome position (GRCh38, 1-based): chr9:121,302,945, C>A. VCF-style: chr9-121302945-C-A. GRCh37 (hg19) VCF-style: chr9-124065223-C-A.
Other names: p.Ala128=; c.384C>A, p.Ala128= (NM_000177.5); c.231C>A, p.Ala77= (NM_001127662.2, NM_001127664.2, NM_001127665.2 and 10 more transcripts); c.339C>A, p.Ala113= (NM_001127663.2); c.264C>A, p.Ala88= (NM_001127666.2, NM_001127667.2, NM_001353063.2 and 13 more transcripts); c.282C>A, p.Ala94= (NM_001258029.2); c.255C>A, p.Ala85= (NM_001258030.2); c.303C>A, p.Ala101= (NM_001353076.2); and 1 more.
Identifiers: ClinVar variation 912419 (VCV000912419.8), dbSNP rs140734150, ClinGen allele CA5220810.

ClinVar aggregate classification (germline): Benign/Likely benign. Review status: criteria provided, multiple submitters, no conflicts (2 of 4 stars). 3 submissions from 3 submitters: Benign (2); Likely benign (1). Last evaluated 2025-04-08.

Conditions:
Finnish type amyloidosis. Also called: Lattice corneal dystrophy associated with familial systemic amyloidosis; Meretoja's syndrome; Lattice dystrophy of the cornea with hereditary generalized amyloidosis; AMYLOID CRANIAL NEUROPATHY WITH LATTICE CORNEAL DYSTROPHY; AMYLOIDOSIS DUE TO MUTANT GELSOLIN; Amyloidosis, familial, Finnish type. Identifiers: Orphanet 85448, MedGen C1622345, MONDO:0007097, OMIM 105120.

Allele frequency attached by ClinVar (database versions not stated): TOPMed 0.00003; ESP Exome Variant Server 0.00008.
gnomAD v4.1: 358 of 1,613,816 alleles (0.022%); highest among the groups gnomAD compares: South Asian, 0.013%; no homozygotes.

Submissions (3):

Mayo Clinic Laboratories, Mayo Clinic
Classification: Likely benign. Last evaluated: 2025-04-08. Review status: criteria provided, single submitter. Criteria: ACMG Guidelines, 2015. Collection method: clinical testing. Allele origin: germline. Observed: 1 variant allele.
Comment: BS2, BP4, BP7

Labcorp Genetics (formerly Invitae), Labcorp
Classification: Benign. Last evaluated: 2024-06-03. Review status: criteria provided, single submitter. Criteria: Invitae Variant Classification Sherloc (09022015). Collection method: clinical testing. Allele origin: germline.

Illumina Laboratory Services, Illumina
Classification: Benign for Finnish type amyloidosis. Last evaluated: 2018-01-13. Review status: criteria provided, single submitter. Criteria: ICSL Variant Classification Criteria 13 December 2019. Collection method: clinical testing. Allele origin: germline.
Comment: This variant was observed in the ICSL laboratory as part of a predisposition screen in an ostensibly healthy population. It had not been previously curated by ICSL or reported in the Human Gene Mutation Database (HGMD: prior to June 1st, 2018), and was therefore a candidate for classification through an automated scoring system. Utilizing variant allele frequency, disease prevalence and penetrance estimates, and inheritance mode, an automated score was calculated to assess if this variant is too frequent to cause the disease. Based on the score and internal cut-off values, a variant classified as benign is not then subjected to further curation. The score for this variant resulted in a classification of benign for this disease.